The following is an entry in ClinVar:

ClinVar aggregate classification (germline): Benign/Likely benign. Review status: criteria provided, multiple submitters, no conflicts (2 of 4 stars). 5 submissions from 5 submitters: Benign (2); Likely benign (3). Last evaluated 2026-06-01.

Conditions:
Cerebellar ataxia, impaired intellectual development, and dysequilibrium syndrome 1. Also called: Cerebellar hypoplasia and mental retardation with or without quadrupedal locomotion 1; Cerebellar ataxia, mental retardation, and dysequilibrium syndrome 1; Cerebellar ataxia, intellectual disability, and dysequilibrium syndrome 1; VLDLR Cerebellar Hypoplasia; CEREBELLAR ATAXIA AND MENTAL RETARDATION WITH OR WITHOUT QUADRUPEDAL LOCOMOTION 1; CEREBELLAR ATAXIA, CONGENITAL, AND MENTAL RETARDATION, AUTOSOMAL RECESSIVE. Identifiers: Orphanet 1766, MedGen C4551552, MONDO:0024542, OMIM 224050.

Allele frequency attached by ClinVar (database versions not stated): gnomAD 0.00045 and 0.00046; TOPMed 0.00048; ExAC 0.00216; gnomAD exomes 0.00120.
gnomAD v4.1: 594 of 1,491,290 alleles (0.04%); highest among the groups gnomAD compares: Middle Eastern, 0.02%; 4 homozygotes.

Submissions (5):

CeGaT Center for Human Genetics Tuebingen
Classification: Likely benign. Last evaluated: 2026-06-01. Review status: criteria provided, single submitter. Criteria: CeGaT Center For Human Genetics Tuebingen Variant Classification Criteria Version 2. Collection method: clinical testing. Allele origin: germline. Affected: yes. Observed: 1 variant allele.
Comment: VLDLR: BS2

Labcorp Genetics (formerly Invitae), Labcorp
Classification: Benign. Last evaluated: 2026-01-21. Review status: criteria provided, single submitter. Criteria: Invitae Variant Classification Sherloc (09022015). Collection method: clinical testing. Allele origin: germline.

Genetic Services Laboratory, University of Chicago
Classification: Benign. Last evaluated: 2021-09-30. Review status: criteria provided, single submitter. Criteria: ACMG Guidelines, 2015. Collection method: clinical testing. Allele origin: germline. Affected: no.

GeneDx
Classification: Likely benign. Last evaluated: 2021-03-24. Review status: criteria provided, single submitter. Criteria: GeneDx Variant Classification Process June 2021. Collection method: clinical testing. Allele origin: germline. Affected: yes.

Illumina Laboratory Services, Illumina
Classification: Likely benign for Cerebellar ataxia, impaired intellectual development, and dysequilibrium syndrome 1. Last evaluated: 2018-01-13. Review status: criteria provided, single submitter. Criteria: ICSL Variant Classification Criteria 13 December 2019. Collection method: clinical testing. Allele origin: germline.
Comment: This variant was observed in the ICSL laboratory as part of a predisposition screen in an ostensibly healthy population. It had not been previously curated by ICSL or reported in the Human Gene Mutation Database (HGMD: prior to June 1st, 2018), and was therefore a candidate for classification through an automated scoring system. Utilizing variant allele frequency, disease prevalence and penetrance estimates, and inheritance mode, an automated score was calculated to assess if this variant is too frequent to cause the disease. Based on the score and internal cut-off values, a variant classified as likely benign is not then subjected to further curation. The score for this variant resulted in a classification of likely benign for this disease.

NM_003383.5(VLDLR):c.71C>A (p.Ala24Asp)

Genes: VLDLR (very low density lipoprotein receptor; plus strand), VLDLR-AS1 (VLDLR antisense RNA 1; minus strand), LOC130001468 (ATAC-STARR-seq lymphoblastoid silent region 19733; plus strand). Cytogenetic location: 9p24.2.
Variant type: single nucleotide variant.
Coding change: c.71C>A on transcript NM_003383.5 (MANE Select); coding-DNA position 71, C replaced by A.
Protein change: p.Ala24Asp; replaces alanine 24 with aspartic acid.
Molecular consequence: missense variant. On other transcripts: non-coding transcript variant (1).
Genome position (GRCh38, 1-based): chr9:2,622,260, C>A. VCF-style: chr9-2622260-C-A. GRCh37 (hg19) VCF-style: chr9-2622260-C-A.
Other names: c.71C>A, p.Ala24Asp (NM_001018056.3, NM_001322225.2, NM_001322226.2); short protein forms A24D.
Identifiers: ClinVar variation 366359 (VCV000366359.19), dbSNP rs754340855, ClinGen allele CA4964399.